The following is an entry in ClinVar:

ClinVar aggregate classification (germline): Conflicting classifications of pathogenicity. Review status: criteria provided, conflicting classifications (1 of 4 stars). 2 submissions from 2 submitters: Pathogenic (1); Uncertain significance (1). Last evaluated 2026-07-08.

Conditions:
X-linked Alport syndrome (ATS1). Also called: NEPHROPATHY AND DEAFNESS, X-LINKED; COL4A5-Related Nephropathy. Identifiers: Orphanet 63, Orphanet 88917, MedGen C4746986, MONDO:0010520, OMIM 301050.

Submissions (2):

Centre de Génétique Humaine, Institut de Pathologie Et de Génétique
Classification: Pathogenic for X-linked Alport syndrome. Last evaluated: 2026-07-08. Review status: criteria provided, single submitter. Criteria: ACMG Guidelines, 2015. Collection method: clinical testing. Allele origin: germline. Inheritance: X-linked dominant inheritance. Affected: yes. Observed: 1 variant allele, 1 hemizygote. Segregation with disease not observed.
Comment: This missense variant involves a highly conserved glycine located in a ‘Gly-X-Y’ motif in collagenous region, (PM1,PP2). This variant is rare: absent in gnomAD v4.1.0 database (PM2). Functional in vitro studies of this variant (split-luciferase bioluminescence assay) showed a significant reduction of luminescence indicating decreased trimer polymerization, PMID: 41908531 (PS3). Another missense variant affecting the same residue described as likely pathogenic: c.350G>T, p.(Gly117Val), PMID: 32901917 (PM5). In silico analysis supports that this missense variant has a deleterious effect (PP3). Described in a family with X-linked AS, PMID: 41908531 (PP5)

Department of Nephrology, Rheumatology and Immunology, Shanghai Children's Hospital
Classification: Uncertain significance for X-linked Alport syndrome. Last evaluated: 2015-01-13. Review status: criteria provided, single submitter. Criteria: ACMG Guidelines, 2015. Collection method: clinical testing. Allele origin: maternal. Affected: yes. Observed: 1 variant allele.
Comment: The NM_000495.5(COL4A5):c.349G>A (p.Gly117Arg) is a missense variant in COL4A5. This variant is absent in the gnomAD v3.1.2 (GRCh38) population database (PM2). Multiple computational tools, including SIFT, PolyPhen-2, and MutationTaster, predict this variant to have a deleterious effect on the protein product (PP3). In summary, this variant meets criteria to be classified as Uncertain Significance for Alport syndrome based on the ACMG/AMP 2015 criteria applied: PM2, PP3, PP4.

Literature cited by the submitters: PubMed 41908531 (cited by Centre de Génétique Humaine, Institut de Pathologie Et de Génétique).

NM_033380.3(COL4A5):c.349G>A (p.Gly117Arg)

Gene: COL4A5 (collagen type IV alpha 5 chain; plus strand). Cytogenetic location: Xq22.3.
Variant type: single nucleotide variant.
Coding change: c.349G>A on transcript NM_033380.3 (MANE Select); coding-DNA position 349, G replaced by A.
Protein change: p.Gly117Arg; replaces glycine 117 with arginine.
Molecular consequence: missense variant.
Genome position (GRCh38, 1-based): chrX:108,568,786, G>A. VCF-style: chrX-108568786-G-A. GRCh37 (hg19) VCF-style: chrX-107812016-G-A.
Other names: p.(Gly117Arg); c.349G>A, p.Gly117Arg (NM_000495.5); short protein forms G117R.
Identifiers: ClinVar variation 4796722 (VCV004796722.2).
Genomic context (GRCh38, chrX:108,568,786, plus strand): 5'-CATATTATACATGTGTTATGTCGCTTTTCAAAGGGAATGCCAGGCCACGATGGGGCCCCA[G>A]GACCTCAAGGTATTCCCGGATGCAATGGAACCAAGGTGAGATCCATCCATTTAATCTTGG-3'
Protein context (NP_203699.1, residues 107-127): PGMPGHDGAP[Gly117Arg]PQGIPGCNGT